The following is an entry in ClinVar:

ClinVar aggregate classification (germline): Uncertain significance (1 of 4 stars; one submission).

Allele frequency attached by ClinVar (database versions not stated): TOPMed below 0.00001; gnomAD exomes 0.00002; gnomAD 0.00003.
gnomAD v4.1: 26 of 1,614,014 alleles (0.0016%); highest among the groups gnomAD compares: African/African-American, 0.0053%; no homozygotes.

Submission:

Labcorp Genetics (formerly Invitae), Labcorp
Classification: Uncertain significance. Last evaluated: 2022-07-08. Review status: criteria provided, single submitter. Criteria: Invitae Variant Classification Sherloc (09022015). Collection method: clinical testing. Allele origin: germline.
Comment: In summary, the available evidence is currently insufficient to determine the role of this variant in disease. Therefore, it has been classified as a Variant of Uncertain Significance. Variants that disrupt the consensus splice site are a relatively common cause of aberrant splicing (PMID: 17576681, 9536098). Algorithms developed to predict the effect of sequence changes on RNA splicing suggest that this variant is not likely to affect RNA splicing. This variant has not been reported in the literature in individuals affected with RTN4IP1-related conditions. This variant is present in population databases (no rsID available, gnomAD 0.02%). This sequence change falls in intron 4 of the RTN4IP1 gene. It does not directly change the encoded amino acid sequence of the RTN4IP1 protein. It affects a nucleotide within the consensus splice site.

Literature cited by the submitters: PubMed 17576681; PubMed 9536098.

NM_032730.5(RTN4IP1):c.620+3A>G

Gene: RTN4IP1 (reticulon 4 interacting protein 1; minus strand). Cytogenetic location: 6q21.
Variant type: single nucleotide variant.
Coding change: c.620+3A>G on transcript NM_032730.5 (MANE Select); 3 bases into the intron after coding-DNA position 620, A replaced by G.
Molecular consequence: intron variant.
Genome position (GRCh38, 1-based): chr6:106,619,199, T>C on the plus strand (A>G on the coding strand, the complement: RTN4IP1 is on the minus strand). VCF-style: chr6-106619199-T-C. GRCh37 (hg19) VCF-style: chr6-107067074-T-C.
Other names: c.320+3A>G (NM_001318746.1).
Identifiers: ClinVar variation 2078000 (VCV002078000.4), dbSNP rs1203244316, ClinGen allele CA569127944.